The following is an entry in ClinVar:

NM_020975.6(RET):c.1041G>A (p.Val347=)

Gene: RET (ret proto-oncogene; plus strand). Cytogenetic location: 10q11.21.
Variant type: single nucleotide variant.
Coding change: c.1041G>A on transcript NM_020975.6 (MANE Select); coding-DNA position 1041, G replaced by A.
Protein change: p.Val347=; no amino-acid change (valine 347 retained).
Molecular consequence: synonymous variant. On other transcripts: intron variant (25).
Genome position (GRCh38, 1-based): chr10:43,106,549, G>A. VCF-style: chr10-43106549-G-A. GRCh37 (hg19) VCF-style: chr10-43601997-G-A.
Other names: c.1041G>A, p.Val347= (NM_000323.2, NM_001406743.1, NM_001406744.1 and 6 more transcripts); c.279G>A, p.Val93= (NM_001355216.2); c.912G>A, p.Val304= (NM_001406761.1, NM_001406762.1, NM_001406764.1 and 1 more transcripts); c.753G>A, p.Val251= (NM_001406766.1, NM_001406767.1, NM_001406770.1); c.867+1356G>A (NM_001406772.1, NM_001406769.1); c.626-2482G>A (NM_001406773.1, NM_001406771.1); c.625+3920G>A (NM_001406782.1, NM_001406780.1, NM_001406779.1 and 3 more transcripts); c.738+1356G>A (NM_001406774.1); and 5 more.
Identifiers: ClinVar variation 3070485 (VCV003070485.1), dbSNP rs1191152389, ClinGen allele CA469024033.

ClinVar aggregate classification (germline): Likely benign (1 of 4 stars; one submission).

Conditions:
Multiple endocrine neoplasia, type 2 (MEN2). Identifiers: Orphanet 653, MedGen C4048306, MONDO:0019003. Disease mechanism: gain of function.

Submission:

All of Us Research Program, National Institutes of Health
Classification: Likely benign for Multiple endocrine neoplasia, type 2. Last evaluated: 2023-04-10. Review status: criteria provided, single submitter. Criteria: ACMG Guidelines, 2015. Collection method: clinical testing. Allele origin: germline. Inheritance: Autosomal dominant inheritance. Observed: 1 variant allele, 1 heterozygote.
Comment: This study involves interpretation of variants in research participants for the purpose of population health screening. Participant phenotype was not available at the time of variant classification. Additional details can be found in publication PMID: 35346344, PMCID: PMC8962531